The following is an entry in ClinVar:

NM_020921.4(NIN):c.5104dup (p.Ile1702fs)

Genes: NIN (ninein; minus strand), LOC126861936 (BRD4-independent group 4 enhancer GRCh37_chr14:51210620-51211819; plus strand). Cytogenetic location: 14q22.1.
Variant type: Duplication.
Coding change: c.5104dup on transcript NM_020921.4 (MANE Select); coding-DNA position 5104, one base duplicated (A; older notation c.5104dupA).
Protein change: p.Ile1702fs; shifts the reading frame from isoleucine 1702.
Molecular consequence: frameshift variant.
Genome position (GRCh38, 1-based): chr14:50,744,326, T duplicated on the plus strand (A on the coding strand, the reverse complement: NIN is on the minus strand); the first of 6 consecutive T bases (chr14:50,744,326-50,744,331); duplicating any one gives the same sequence. VCF-style (leftmost placement, unchanged base first): chr14-50744325-A-AT. GRCh37 (hg19) VCF-style: chr14-51211043-A-AT.
Other names: c.2965dup, p.Ile989fs (NM_016350.5); c.5104dup, p.Ile1702fs (NM_182944.3, NM_182946.2); c.5104dupA (NM_020921.4); short protein forms I1702fs, I989fs.
Identifiers: ClinVar variation 4688327 (VCV004688327.1).

ClinVar aggregate classification (germline): Pathogenic (1 of 4 stars; one submission).

Conditions:
Seckel syndrome 7 (SCKL7). Identifiers: Orphanet 319675, MedGen C3553870, MONDO:0013922, OMIM 614851.

Submission:

Women's Health and Genetics/Laboratory Corporation of America, LabCorp
Classification: Pathogenic for Seckel syndrome 7. Last evaluated: 2025-12-30. Review status: criteria provided, single submitter. Criteria: LabCorp Variant Classification Summary - May 2015. Collection method: clinical testing. Allele origin: germline.
Comment: Variant summary: NIN c.5104dupA (p.Ile1702AsnfsX3) results in a premature termination codon, predicted to cause absence of the protein due to nonsense mediated decay, which is a commonly known mechanism for disease. The variant allele was found at a frequency of 4e-06 in 251380 control chromosomes (gnomAD). To our knowledge, no occurrence of c.5104dupA in individuals affected with NIN-related conditions and no experimental evidence demonstrating its impact on protein function have been reported. No submitters have cited clinical-significance assessments for this variant to ClinVar. Based on the evidence outlined above, the variant was classified as pathogenic.